The following is an entry in ClinVar:

NM_144666.3(DNHD1):c.248A>G (p.Tyr83Cys)

Gene: DNHD1 (dynein heavy chain domain 1; plus strand). Cytogenetic location: 11p15.4.
Variant type: single nucleotide variant.
Coding change: c.248A>G on transcript NM_144666.3 (MANE Select); coding-DNA position 248, A replaced by G.
Protein change: p.Tyr83Cys; replaces tyrosine 83 with cysteine.
Molecular consequence: missense variant.
Genome position (GRCh38, 1-based): chr11:6,498,463, A>G. VCF-style: chr11-6498463-A-G. GRCh37 (hg19) VCF-style: chr11-6519693-A-G.
Other names: c.248A>G, p.Tyr83Cys (NM_173589.4); short protein forms Y83C.
Identifiers: ClinVar variation 3239516 (VCV003239516.19), dbSNP rs1279106899.
Genomic context (GRCh38, chr11:6,498,463, plus strand): 5'-CTGAGCTCCGAACTCTGTTCTCAGCTGTGTTGCAGGACAGTAGCCCTGCAGCTTGGCGCT[A>G]TCTTCATGCAGTACTGGGTCTACTGCCTCCATATCGTGAGTTGCTAGTTGGCCACCTTGA-3'
Protein context (NP_653267.2, residues 73-93): LQDSSPAAWR[Tyr83Cys]LHAVLGLLPP

ClinVar aggregate classification (germline): Uncertain significance (1 of 4 stars; one submission).

Allele frequency attached by ClinVar (database versions not stated): gnomAD exomes below 0.00001; TOPMed 0.00001.
gnomAD v4.1: 8 of 1,614,180 alleles (0.0005%); highest among the groups gnomAD compares: South Asian, 0.0044%; no homozygotes.

Submission:

CeGaT Center for Human Genetics Tuebingen
Classification: Uncertain significance. Last evaluated: 2024-05-01. Review status: criteria provided, single submitter. Criteria: CeGaT Center For Human Genetics Tuebingen Variant Classification Criteria Version 2. Collection method: clinical testing. Allele origin: germline. Affected: yes. Observed: 1 variant allele.
Comment: DNHD1: PM2